The following continues an entry in ClinVar:

NM_006755.2(TALDO1):c.962A>G (p.Lys321Arg)

Gene: TALDO1. ClinVar aggregate classification (germline): Benign/Likely benign. Benign (3); Likely benign (2).

Submissions 31 to 48 of 48:

Dr. Peter K. Rogan Lab, Western University
No classification provided (evidence only). Condition: Sarcoma. Review status: no classification provided. Collection method: in vitro. Allele origin: not applicable. Functional consequence: retained intron. Not counted in ClinVar's aggregate classification.

Dr. Peter K. Rogan Lab, Western University
No classification provided (evidence only). Condition: Sarcoma. Review status: no classification provided. Collection method: in vitro. Allele origin: not applicable. Functional consequence: retained intron. Not counted in ClinVar's aggregate classification.

Dr. Peter K. Rogan Lab, Western University
No classification provided (evidence only). Condition: Sarcoma. Review status: no classification provided. Collection method: in vitro. Allele origin: not applicable. Functional consequence: retained intron. Not counted in ClinVar's aggregate classification.

Dr. Peter K. Rogan Lab, Western University
No classification provided (evidence only). Condition: Malignant lymphoma, large B-cell, diffuse. Review status: no classification provided. Collection method: in vitro. Allele origin: not applicable. Functional consequence: retained intron. Not counted in ClinVar's aggregate classification.

Dr. Peter K. Rogan Lab, Western University
No classification provided (evidence only). Condition: Hepatocellular carcinoma. Review status: no classification provided. Collection method: in vitro. Allele origin: not applicable. Functional consequence: retained intron. Not counted in ClinVar's aggregate classification.

Dr. Peter K. Rogan Lab, Western University
No classification provided (evidence only). Condition: Hepatocellular carcinoma. Review status: no classification provided. Collection method: in vitro. Allele origin: not applicable. Functional consequence: retained intron. Not counted in ClinVar's aggregate classification.

Dr. Peter K. Rogan Lab, Western University
No classification provided (evidence only). Condition: Hepatocellular carcinoma. Review status: no classification provided. Collection method: in vitro. Allele origin: not applicable. Functional consequence: retained intron. Not counted in ClinVar's aggregate classification.

Dr. Peter K. Rogan Lab, Western University
No classification provided (evidence only). Condition: Thymoma. Review status: no classification provided. Collection method: in vitro. Allele origin: not applicable. Functional consequence: retained intron. Not counted in ClinVar's aggregate classification.

Dr. Peter K. Rogan Lab, Western University
No classification provided (evidence only). Condition: Thymoma. Review status: no classification provided. Collection method: in vitro. Allele origin: not applicable. Functional consequence: retained intron. Not counted in ClinVar's aggregate classification.

Dr. Peter K. Rogan Lab, Western University
No classification provided (evidence only). Condition: Ovarian serous cystadenocarcinoma. Review status: no classification provided. Collection method: in vitro. Allele origin: not applicable. Functional consequence: retained intron. Not counted in ClinVar's aggregate classification.

Dr. Peter K. Rogan Lab, Western University
No classification provided (evidence only). Condition: Ovarian serous cystadenocarcinoma. Review status: no classification provided. Collection method: in vitro. Allele origin: not applicable. Functional consequence: retained intron. Not counted in ClinVar's aggregate classification.

Dr. Peter K. Rogan Lab, Western University
No classification provided (evidence only). Condition: Ovarian serous cystadenocarcinoma. Review status: no classification provided. Collection method: in vitro. Allele origin: not applicable. Functional consequence: retained intron. Not counted in ClinVar's aggregate classification.

Dr. Peter K. Rogan Lab, Western University
No classification provided (evidence only). Condition: Gastric cancer. Review status: no classification provided. Collection method: in vitro. Allele origin: not applicable. Functional consequence: retained intron. Not counted in ClinVar's aggregate classification.

Dr. Peter K. Rogan Lab, Western University
No classification provided (evidence only). Condition: Gastric cancer. Review status: no classification provided. Collection method: in vitro. Allele origin: not applicable. Functional consequence: retained intron. Not counted in ClinVar's aggregate classification.

Dr. Peter K. Rogan Lab, Western University
No classification provided (evidence only). Condition: Adrenocortical carcinoma, hereditary. Review status: no classification provided. Collection method: in vitro. Allele origin: not applicable. Functional consequence: retained intron. Not counted in ClinVar's aggregate classification.

Dr. Peter K. Rogan Lab, Western University
No classification provided (evidence only). Condition: Adrenocortical carcinoma, hereditary. Review status: no classification provided. Collection method: in vitro. Allele origin: not applicable. Functional consequence: retained intron. Not counted in ClinVar's aggregate classification.

Dr. Peter K. Rogan Lab, Western University
No classification provided (evidence only). Condition: Uterine carcinosarcoma. Review status: no classification provided. Collection method: in vitro. Allele origin: not applicable. Functional consequence: retained intron. Not counted in ClinVar's aggregate classification.

Dr. Peter K. Rogan Lab, Western University
No classification provided (evidence only). Condition: Malignant tumor of esophagus. Review status: no classification provided. Collection method: in vitro. Allele origin: not applicable. Functional consequence: retained intron. Not counted in ClinVar's aggregate classification.

Literature cited by the submitters: PubMed 31769880 (cited by Mayo Clinic Laboratories, Mayo Clinic).